The following is an entry in ClinVar:

NM_001281775.3(ZMYND8):c.882+6T>C

Gene: ZMYND8 (zinc finger MYND-type containing 8; minus strand). Cytogenetic location: 20q13.12.
Variant type: single nucleotide variant.
Coding change: c.882+6T>C on transcript NM_001281775.3 (MANE Select); 6 bases into the intron after coding-DNA position 882, T replaced by C.
Molecular consequence: intron variant.
Genome position (GRCh38, 1-based): chr20:47,283,565, A>G on the plus strand (T>C on the coding strand, the complement: ZMYND8 is on the minus strand). VCF-style: chr20-47283565-A-G. GRCh37 (hg19) VCF-style: chr20-45912309-A-G.
Other names: c.807+6T>C (NM_001281781.3, NM_001281784.3, NM_001281771.3 and 4 more transcripts); c.882+6T>C (NM_001281776.3, NM_012408.6, NM_183047.4 and 1 more transcripts); c.78+6T>C (NM_001281780.3, NM_001281779.3); c.822+6T>C (NM_001281774.3, NM_001281773.3, NM_001281772.3 and 1 more transcripts); c.903+6T>C (NM_001363714.1).
Identifiers: ClinVar variation 3364909 (VCV003364909.2).

ClinVar aggregate classification (germline): Uncertain significance (1 of 4 stars; one submission).

Submission:

GeneDx
Classification: Uncertain significance. Last evaluated: 2025-08-13. Review status: criteria provided, single submitter. Criteria: GeneDx Variant Classification Process June 2021. Collection method: clinical testing. Allele origin: germline.
Comment: Not observed at significant frequency in large population cohorts (gnomAD); In silico analysis supports a deleterious effect on splicing; Has not been previously published as pathogenic or benign to our knowledge